The following is an entry in ClinVar:

ClinVar aggregate classification (germline): Uncertain significance (1 of 4 stars; one submission).

gnomAD v4.1: 1 of 1,550,410 alleles (0.000064%); highest among the groups gnomAD compares: Non-Finnish European, 0.000087%; no homozygotes.

Submission:

Labcorp Genetics (formerly Invitae), Labcorp
Classification: Uncertain significance. Last evaluated: 2024-05-20. Review status: criteria provided, single submitter. Criteria: Invitae Variant Classification Sherloc (09022015). Collection method: clinical testing. Allele origin: germline.
Comment: This sequence change replaces isoleucine, which is neutral and non-polar, with methionine, which is neutral and non-polar, at codon 88 of the TMEM240 protein (p.Ile88Met). This variant is not present in population databases (gnomAD no frequency). This variant has not been reported in the literature in individuals affected with TMEM240-related conditions. An algorithm developed to predict the effect of missense changes on protein structure and function (PolyPhen-2) suggests that this variant is likely to be tolerated. In summary, the available evidence is currently insufficient to determine the role of this variant in disease. Therefore, it has been classified as a Variant of Uncertain Significance.

NM_001114748.2(TMEM240):c.264C>G (p.Ile88Met)

Gene: TMEM240 (transmembrane protein 240; minus strand). Cytogenetic location: 1p36.33.
Variant type: single nucleotide variant.
Coding change: c.264C>G on transcript NM_001114748.2 (MANE Select); coding-DNA position 264, C replaced by G.
Protein change: p.Ile88Met; replaces isoleucine 88 with methionine.
Molecular consequence: missense variant.
Genome position (GRCh38, 1-based): chr1:1,535,698, G>C on the plus strand (C>G on the coding strand, the complement: TMEM240 is on the minus strand). VCF-style: chr1-1535698-G-C. GRCh37 (hg19) VCF-style: chr1-1471078-G-C.
Other names: short protein forms I88M.
Identifiers: ClinVar variation 3682655 (VCV003682655.2).